The following is an entry in ClinVar:

NM_004795.4(KL):c.2602A>G (p.Met868Val)

Gene: KL (klotho; plus strand). Cytogenetic location: 13q13.1.
Variant type: single nucleotide variant.
Coding change: c.2602A>G on transcript NM_004795.4 (MANE Select); coding-DNA position 2602, A replaced by G.
Protein change: p.Met868Val; replaces methionine 868 with valine.
Molecular consequence: missense variant.
Genome position (GRCh38, 1-based): chr13:33,061,681, A>G. VCF-style: chr13-33061681-A-G. GRCh37 (hg19) VCF-style: chr13-33635818-A-G.
Other names: short protein forms M868V.
Identifiers: ClinVar variation 2964168 (VCV002964168.3), dbSNP rs1340305363, ClinGen allele CA387798066.

ClinVar aggregate classification (germline): Uncertain significance (1 of 4 stars; one submission).

Allele frequency attached by ClinVar (database versions not stated): gnomAD exomes below 0.00001.
gnomAD v4.1: 3 of 1,614,110 alleles (0.00019%); highest among the groups gnomAD compares: South Asian, 0.0011%; no homozygotes.

Submission:

Labcorp Genetics (formerly Invitae), Labcorp
Classification: Uncertain significance. Last evaluated: 2025-08-23. Review status: criteria provided, single submitter. Criteria: Invitae Variant Classification Sherloc (09022015). Collection method: clinical testing. Allele origin: germline.
Comment: This sequence change replaces methionine, which is neutral and non-polar, with valine, which is neutral and non-polar, at codon 868 of the KL protein (p.Met868Val). This variant is present in population databases (no rsID available, gnomAD 0.003%). This variant has not been reported in the literature in individuals affected with KL-related conditions. ClinVar contains an entry for this variant (Variation ID: 2964168). Invitae Evidence Modeling of protein sequence and biophysical properties (such as structural, functional, and spatial information, amino acid conservation, physicochemical variation, residue mobility, and thermodynamic stability) indicates that this missense variant is not expected to disrupt KL protein function with a negative predictive value of 80%. In summary, the available evidence is currently insufficient to determine the role of this variant in disease. Therefore, it has been classified as a Variant of Uncertain Significance.